The following is an entry in ClinVar:

NM_000393.5(COL5A2):c.359T>C (p.Leu120Ser)

Gene: COL5A2 (collagen type V alpha 2 chain; minus strand). Cytogenetic location: 2q32.2.
Variant type: single nucleotide variant.
Coding change: c.359T>C on transcript NM_000393.5 (MANE Select); coding-DNA position 359, T replaced by C.
Protein change: p.Leu120Ser; replaces leucine 120 with serine.
Molecular consequence: missense variant.
Genome position (GRCh38, 1-based): chr2:189,100,117, A>G on the plus strand (T>C on the coding strand, the complement: COL5A2 is on the minus strand). VCF-style: chr2-189100117-A-G. GRCh37 (hg19) VCF-style: chr2-189964843-A-G.
Other names: short protein forms L120S.
Identifiers: ClinVar variation 4990959 (VCV004990959.1).

ClinVar aggregate classification (germline): Uncertain significance (1 of 4 stars; one submission).

Conditions:
COL5A2-related disorder. Also called: COL5A2-related condition.

Submission:

PreventionGenetics, part of Exact Sciences
Classification: Uncertain significance for COL5A2-related condition. Last evaluated: 2026-07-02. Review status: criteria provided, single submitter. Criteria: ACMG Guidelines, 2015. Collection method: clinical testing. Allele origin: germline.
Comment: The COL5A2 c.359T>C variant is predicted to result in the amino acid substitution p.Leu120Ser. To our knowledge, this variant has not been reported in the literature or in a large population database (gnomAD), indicating this variant is rare. At this time, the clinical significance of this variant is uncertain due to the absence of conclusive functional and genetic evidence.